The following is an entry in ClinVar:

NM_152384.3(BBS5):c.618+10T>C

Gene: BBS5 (Bardet-Biedl syndrome 5; plus strand). Cytogenetic location: 2q31.1.
Variant type: single nucleotide variant.
Coding change: c.618+10T>C on transcript NM_152384.3 (MANE Select); 10 bases into the intron after coding-DNA position 618, T replaced by C.
Molecular consequence: intron variant.
Genome position (GRCh38, 1-based): chr2:169,493,846, T>C. VCF-style: chr2-169493846-T-C. GRCh37 (hg19) VCF-style: chr2-170350356-T-C.
Other names: c.618+10T>C (NM_152384.2).
Identifiers: ClinVar variation 2917758 (VCV002917758.4), dbSNP rs759155760, ClinGen allele CA1956244.

ClinVar aggregate classification (germline): Likely benign. Review status: criteria provided, single submitter (1 of 4 stars). 2 submissions from 2 submitters: Likely benign (1). 1 of the submissions does not count toward it. Last evaluated 2023-04-28.

Conditions:
BBS5-related disorder. Also called: BBS5-related condition.
Bardet-Biedl syndrome (BBS). Identifiers: Orphanet 110, MedGen C0752166, MONDO:0015229.

Allele frequency attached by ClinVar (database versions not stated): gnomAD exomes below 0.00001; TOPMed below 0.00001; ExAC 0.00001; gnomAD 0.00001.
gnomAD v4.1: 3 of 1,514,398 alleles (0.0002%); highest among the groups gnomAD compares: African/African-American, 0.0041%; no homozygotes.

Submissions (2):

Labcorp Genetics (formerly Invitae), Labcorp
Classification: Likely benign for Bardet-Biedl syndrome. Last evaluated: 2023-04-28. Review status: criteria provided, single submitter. Criteria: Invitae Variant Classification Sherloc (09022015). Collection method: clinical testing. Allele origin: germline.

PreventionGenetics, part of Exact Sciences
Classification: Likely benign for BBS5-related condition. Last evaluated: 2022-03-30. Review status: no assertion criteria provided. Collection method: clinical testing. Allele origin: germline. Not counted in ClinVar's aggregate classification.
Comment: This variant is classified as likely benign based on ACMG/AMP sequence variant interpretation guidelines (Richards et al. 2015 PMID: 25741868, with internal and published modifications).